The following is an entry in ClinVar:

NM_005559.4(LAMA1):c.1979T>C (p.Met660Thr)

Gene: LAMA1 (laminin subunit alpha 1; minus strand). Cytogenetic location: 18p11.31.
Variant type: single nucleotide variant.
Coding change: c.1979T>C on transcript NM_005559.4 (MANE Select); coding-DNA position 1979, T replaced by C.
Protein change: p.Met660Thr; replaces methionine 660 with threonine.
Molecular consequence: missense variant.
Genome position (GRCh38, 1-based): chr18:7,034,551, A>G on the plus strand (T>C on the coding strand, the complement: LAMA1 is on the minus strand). VCF-style: chr18-7034551-A-G. GRCh37 (hg19) VCF-style: chr18-7034550-A-G.
Other names: short protein forms M660T.
Identifiers: ClinVar variation 2866215 (VCV002866215.3), dbSNP rs2510085877, ClinGen allele CA401830269.

ClinVar aggregate classification (germline): Uncertain significance (1 of 4 stars; one submission).

Submission:

Labcorp Genetics (formerly Invitae), Labcorp
Classification: Uncertain significance. Last evaluated: 2023-08-07. Review status: criteria provided, single submitter. Criteria: Invitae Variant Classification Sherloc (09022015). Collection method: clinical testing. Allele origin: germline.
Comment: This variant has not been reported in the literature in individuals affected with LAMA1-related conditions. An algorithm developed to predict the effect of missense changes on protein structure and function (PolyPhen-2) suggests that this variant is likely to be disruptive. In summary, the available evidence is currently insufficient to determine the role of this variant in disease. Therefore, it has been classified as a Variant of Uncertain Significance. This variant is not present in population databases (gnomAD no frequency). This sequence change replaces methionine, which is neutral and non-polar, with threonine, which is neutral and polar, at codon 660 of the LAMA1 protein (p.Met660Thr).